The following is an entry in ClinVar:

ClinVar aggregate classification (germline): Likely benign. Review status: criteria provided, multiple submitters, no conflicts (2 of 4 stars). 4 submissions from 4 submitters: Likely benign (4). Last evaluated 2025-11-12.

Conditions:
Catecholaminergic polymorphic ventricular tachycardia 1. Also called: VENTRICULAR TACHYCARDIA, CATECHOLAMINERGIC POLYMORPHIC, 1, WITH OR WITHOUT ATRIAL DYSFUNCTION AND/OR DILATED CARDIOMYOPATHY; VENTRICULAR TACHYCARDIA, STRESS-INDUCED POLYMORPHIC 1; RYR2-Related Catecholaminergic Polymorphic Ventricular Tachycardia. Identifiers: Orphanet 3286, MedGen C1631597, MONDO:0011484, OMIM 604772.
Catecholaminergic polymorphic ventricular tachycardia (CVPT). Also called: Catecholamine-induced polymorphic ventricular tachycardia. Identifiers: Orphanet 3286, MedGen C5574922, MONDO:0017990.
Cardiovascular phenotype. Identifiers: MedGen CN230736.
Cardiomyopathy (CMYO). Also called: Cardiomyopathies. Identifiers: Orphanet 167848, MedGen C0878544, MONDO:0004994, HP:0001638. Inheritance: Various modes of inheritance.

Allele frequency attached by ClinVar (database versions not stated): gnomAD exomes below 0.00001; gnomAD 0.00002 and 0.00003; TOPMed 0.00002.
gnomAD v4.1: 6 of 1,601,926 alleles (0.00037%); highest among the groups gnomAD compares: African/African-American, 0.008%; no homozygotes.

Submissions (4):

Labcorp Genetics (formerly Invitae), Labcorp
Classification: Likely benign for Catecholaminergic polymorphic ventricular tachycardia 1. Last evaluated: 2025-11-12. Review status: criteria provided, single submitter. Criteria: Invitae Variant Classification Sherloc (09022015). Collection method: clinical testing. Allele origin: germline.

All of Us Research Program, National Institutes of Health
Classification: Likely benign for Catecholaminergic polymorphic ventricular tachycardia. Last evaluated: 2023-06-26. Review status: criteria provided, single submitter. Criteria: ACMG Guidelines, 2015. Collection method: clinical testing. Allele origin: germline. Inheritance: Autosomal dominant inheritance. Observed: 3 variant alleles, 3 heterozygotes.
Comment: This study involves interpretation of variants in research participants for the purpose of population health screening. Participant phenotype was not available at the time of variant classification. Additional details can be found in publication PMID: 35346344, PMCID: PMC8962531

Color Diagnostics, LLC DBA Color Health
Classification: Likely benign for Cardiomyopathy. Last evaluated: 2022-11-06. Review status: criteria provided, single submitter. Criteria: ACMG Guidelines, 2015. Collection method: clinical testing. Allele origin: germline.

Ambry Genetics
Classification: Likely benign for Cardiovascular phenotype. Last evaluated: 2020-07-30. Review status: criteria provided, single submitter. Criteria: Ambry Variant Classification Scheme 2023. Collection method: clinical testing. Allele origin: germline.

NM_001035.3(RYR2):c.4689G>A (p.Val1563=)

Gene: RYR2 (ryanodine receptor 2; plus strand). Cytogenetic location: 1q43.
Variant type: single nucleotide variant.
Coding change: c.4689G>A on transcript NM_001035.3 (MANE Select); coding-DNA position 4689, G replaced by A.
Protein change: p.Val1563=; no amino-acid change (valine 1563 retained).
Molecular consequence: synonymous variant.
Genome position (GRCh38, 1-based): chr1:237,610,767, G>A. VCF-style: chr1-237610767-G-A. GRCh37 (hg19) VCF-style: chr1-237774067-G-A.
Identifiers: ClinVar variation 700604 (VCV000700604.15), dbSNP rs1259232031, ClinGen allele CA424030841.
Genomic context (GRCh38, chr1:237,610,767, plus strand): 5'-GTGAACCCCAAGGGATGTTCTACATTTATTCTTTTTCTGCCTCCCCATCCGCTAGAATGT[G>A]ATGCCTCTCTCGGCGGGATTATTCAAGAGTGAGCACAAGAACCCCGTGCCGCAGTGCCCC-3'
Protein context (NP_001026.2, residues 1553-1573): FQFELGRIKN[Val1563=]MPLSAGLFKS